The following is an entry in ClinVar:

NM_012082.4(ZFPM2):c.10C>T (p.Arg4Ter)

Gene: ZFPM2 (zinc finger protein, FOG family member 2; plus strand). Cytogenetic location: 8q23.1.
Variant type: single nucleotide variant.
Coding change: c.10C>T on transcript NM_012082.4 (MANE Select); coding-DNA position 10, C replaced by T.
Protein change: p.Arg4Ter; replaces arginine 4 with a stop codon.
Molecular consequence: nonsense.
Genome position (GRCh38, 1-based): chr8:105,318,951, C>T. VCF-style: chr8-105318951-C-T. GRCh37 (hg19) VCF-style: chr8-106331179-C-T.
Other names: c.10C>T, p.Arg4Ter (NM_001362836.2); short protein forms R4*.
Identifiers: ClinVar variation 3033583 (VCV003033583.2), dbSNP rs1811964183, ClinGen allele CA372026143.

ClinVar aggregate classification (germline): Likely pathogenic (0 of 4 stars; one submission).

Conditions:
ZFPM2-related disorder. Also called: ZFPM2-related condition.

Submission:

PreventionGenetics, part of Exact Sciences
Classification: Likely pathogenic for ZFPM2-related condition. Last evaluated: 2024-02-23. Review status: no assertion criteria provided. Collection method: clinical testing. Allele origin: germline.
Comment: The ZFPM2 c.10C>T variant is predicted to result in premature protein termination (p.Arg4*). To our knowledge, this variant has not been reported in the literature or in a large population database, indicating this variant is rare. Nonsense variants in ZFPM2 are expected to be pathogenic. This variant is interpreted as likely pathogenic.